The following is an entry in ClinVar:

ClinVar aggregate classification (germline): Pathogenic (1 of 4 stars; one submission).

Conditions:
Hereditary leiomyomatosis and renal cell cancer. Also called: MULTIPLE CUTANEOUS AND UTERINE LEIOMYOMATA 1, WITH OR WITHOUT RENAL CELL CARCINOMA; LEIOMYOMA, MULTIPLE CUTANEOUS; FH tumor predisposition syndrome; Reed syndrome; Multiple cutaneous and uterine leiomyomatosis; Cutaneous leiomyomata with uterine leiomyomata. Identifiers: Orphanet 523, MedGen C1708350, MONDO:0007888, OMIM 150800, HP:0007437. Disease mechanism: loss of function.

Submission:

Myriad Genetics, Inc.
Classification: Pathogenic for Hereditary leiomyomatosis and renal cell cancer. Last evaluated: 2025-02-19. Review status: criteria provided, single submitter. Criteria: Myriad Autosomal Dominant, Autosomal Recessive and X-Linked Classification Criteria (2023). Collection method: clinical testing. Allele origin: unknown.
Comment: This variant is considered pathogenic. This variant creates a frameshift predicted to result in premature protein truncation.

NM_000143.4(FH):c.675_676del (p.Ala226fs)

Gene: FH (fumarate hydratase; minus strand). Cytogenetic location: 1q43.
Variant type: Deletion.
Coding change: c.675_676del on transcript NM_000143.4 (MANE Select); coding-DNA positions 675 to 676, 2 bases deleted (TG; older notation c.675_676delTG).
Protein change: p.Ala226fs; shifts the reading frame from alanine 226.
Molecular consequence: frameshift variant.
Genome position (GRCh38, 1-based): chr1:241,508,665-241,508,666, CA deleted on the plus strand (TG on the coding strand, the reverse complement: FH is on the minus strand). VCF-style (leftmost placement, unchanged base first): chr1-241508664-GCA-G. GRCh37 (hg19) VCF-style: chr1-241671964-GCA-G.
Other names: short protein forms A226fs.
Identifiers: ClinVar variation 3904453 (VCV003904453.1).